The following is an entry in ClinVar:

NM_001709.5(BDNF):c.450= (p.Ala150=)

Genes: BDNF (brain derived neurotrophic factor; minus strand), BDNF-AS (BDNF antisense RNA; plus strand). Cytogenetic location: 11p14.1.
Variant type: single nucleotide variant.
Coding change: c.450= on transcript NM_001709.5 (MANE Select); coding-DNA position 450, no change from the reference sequence.
Protein change: p.Ala150=; no amino-acid change (alanine 150 retained).
Molecular consequence: no sequence alteration.
Genome position: GRCh38 VCF-style: chr11-27658115-C-C. GRCh37 (hg19) VCF-style: chr11-27679662-T-C.
Other names: c.450=, p.Ala150= (NM_001143805.1, NM_001143806.1, NM_001143807.2 and 9 more transcripts); c.537=, p.Ala179= (NM_001143809.2); c.696=, p.Ala232= (NM_001143810.2); c.474=, p.Ala158= (NM_170731.5); c.495=, p.Ala165= (NM_170734.4).
Identifiers: ClinVar variation 179329 (VCV000179329.14), dbSNP rs2353512.
Genomic context (GRCh38, chr11:27,658,115, plus strand): 5'-GACCTTTTCAAGGACTGTGACCGTCCCGCCCGACATGTCCACTGCAGTCTTTTTGTCTGC[C=]GCCGTTACCCACTCACTAATACTGTCACACACGCTCAGCTCCCCTCGGCGGGCAGGGTCA-3'
Protein context (NP_001700.2, residues 140-160): VCDSISEWVT[Ala150=]ADKKTAVDMS

ClinVar aggregate classification (germline): Benign. Review status: criteria provided, multiple submitters, no conflicts (2 of 4 stars). 4 submissions from 4 submitters: Benign (4). Last evaluated 2026-02-04.

Allele frequency attached by ClinVar (database versions not stated): 1000 Genomes Project 30x 0.99485; TOPMed 0.99630; gnomAD 0.99637 and 0.99658; gnomAD exomes 0.99967.

Submissions (4):

Labcorp Genetics (formerly Invitae), Labcorp
Classification: Benign. Last evaluated: 2026-02-04. Review status: criteria provided, single submitter. Criteria: Invitae Variant Classification Sherloc (09022015). Collection method: clinical testing. Allele origin: germline.

Blueprint Genetics
Classification: Benign. Last evaluated: 2024-11-27. Review status: criteria provided, single submitter. Criteria: ACMG Guidelines, 2015. Collection method: clinical testing. Allele origin: germline.

Laboratory for Molecular Medicine, Mass General Brigham Personalized Medicine
Classification: Benign. Last evaluated: 2018-03-12. Review status: criteria provided, single submitter. Criteria: LMM Criteria. Collection method: clinical testing. Allele origin: germline. Observed: 92 variant alleles.
Comment: This "variant" is a RefSeq error. G at this position is the major allele with an allele frequency of 99.8% in gnomAD (1-27679662-T-C).

Breakthrough Genomics
Classification: Benign. Review status: criteria provided, single submitter. Criteria: ACMG Guidelines, 2015. Collection method: not provided. Allele origin: germline. Inheritance: Unknown mechanism. Affected: yes.